The following is an entry in ClinVar:

NM_001377540.1(SLMAP):c.652G>A (p.Glu218Lys)

Gene: SLMAP (sarcolemma associated protein; plus strand). Cytogenetic location: 3p14.3.
Variant type: single nucleotide variant.
Coding change: c.652G>A on transcript NM_001377540.1 (MANE Select); coding-DNA position 652, G replaced by A.
Protein change: p.Glu218Lys; replaces glutamic acid 218 with lysine.
Molecular consequence: missense variant. On other transcripts: non-coding transcript variant (1).
Genome position (GRCh38, 1-based): chr3:57,858,124, G>A. VCF-style: chr3-57858124-G-A. GRCh37 (hg19) VCF-style: chr3-57843851-G-A.
Other names: c.652G>A, p.Glu218Lys (NM_001304420.3, NM_001304421.2, NM_001377538.1 and 17 more transcripts); short protein forms E218K.
Identifiers: ClinVar variation 644702 (VCV000644702.7), dbSNP rs1577820022, ClinGen allele CA353406873.

ClinVar aggregate classification (germline): Uncertain significance (1 of 4 stars; one submission).

Conditions:
Brugada syndrome. Also called: Sudden unexpected nocturnal death syndrome; Sudden Unexplained Death Syndrome; Sudden Unexplained Nocturnal Death Syndrome (SUNDS); Sudden unexplained nocturnal death syndrome. Identifiers: Orphanet 130, MedGen C1142166, MONDO:0015263.

Submission:

Labcorp Genetics (formerly Invitae), Labcorp
Classification: Uncertain significance for Brugada syndrome. Last evaluated: 2019-10-21. Review status: criteria provided, single submitter. Criteria: Invitae Variant Classification Sherloc (09022015). Collection method: clinical testing. Allele origin: germline.
Comment: In summary, the available evidence is currently insufficient to determine the role of this variant in disease. Therefore, it has been classified as a Variant of Uncertain Significance. Algorithms developed to predict the effect of missense changes on protein structure and function are either unavailable or do not agree on the potential impact of this missense change (SIFT: "Tolerated"; PolyPhen-2: "Probably Damaging"; Align-GVGD: "Class C15"). This variant has not been reported in the literature in individuals with SLMAP-related disease. This variant is not present in population databases (ExAC no frequency). This sequence change replaces glutamic acid with lysine at codon 218 of the SLMAP protein (p.Glu218Lys). The glutamic acid residue is highly conserved and there is a small physicochemical difference between glutamic acid and lysine.